The following is an entry in ClinVar:

ClinVar aggregate classification (germline): Benign/Likely benign. Review status: criteria provided, multiple submitters, no conflicts (2 of 4 stars). 4 submissions from 4 submitters: Benign (1); Likely benign (3). Last evaluated 2025-08-25.

Conditions:
Hereditary cancer-predisposing syndrome. Also called: Tumor predisposition; Neoplastic Syndromes, Hereditary; Hereditary Cancer Syndrome; Hereditary neoplastic syndrome. Identifiers: Orphanet 140162, MedGen C0027672, MeSH D009386, MONDO:0015356.
Peutz-Jeghers syndrome (PJS). Also called: POLYPOSIS, HAMARTOMATOUS INTESTINAL; POLYPS-AND-SPOTS SYNDROME; Peutz-Jeghers polyposis; Periorificial lentiginosis syndrome. Identifiers: Orphanet 2869, MedGen C0031269, MeSH D010580, MONDO:0008280, OMIM 175200.

Allele frequency attached by ClinVar (database versions not stated): TOPMed 0.00001.
gnomAD v4.1: 8 of 1,609,296 alleles (0.0005%); highest among the groups gnomAD compares: South Asian, 0.0066%; no homozygotes.

Submissions (4):

Labcorp Genetics (formerly Invitae), Labcorp
Classification: Likely benign for Peutz-Jeghers syndrome. Last evaluated: 2025-08-25. Review status: criteria provided, single submitter. Criteria: Invitae Variant Classification Sherloc (09022015). Collection method: clinical testing. Allele origin: germline.

Myriad Genetics, Inc.
Classification: Benign for Peutz-Jeghers syndrome. Last evaluated: 2025-03-25. Review status: criteria provided, single submitter. Criteria: Myriad Autosomal Dominant, Autosomal Recessive and X-Linked Classification Criteria (2023). Collection method: clinical testing. Allele origin: unknown.
Comment: This variant is considered benign. This variant is a silent/synonymous amino acid change and it is not expected to impact splicing.

Ambry Genetics
Classification: Likely benign for Hereditary cancer-predisposing syndrome. Last evaluated: 2019-01-14. Review status: criteria provided, single submitter. Criteria: Ambry Variant Classification Scheme 2023. Collection method: clinical testing. Allele origin: germline.

Color Diagnostics, LLC DBA Color Health
Classification: Likely benign for Hereditary cancer-predisposing syndrome. Last evaluated: 2016-12-22. Review status: criteria provided, single submitter. Criteria: ACMG Guidelines, 2015. Collection method: clinical testing. Allele origin: germline.

NM_000455.5(STK11):c.264C>T (p.Ile88=)

Gene: STK11 (serine/threonine kinase 11; plus strand). Cytogenetic location: 19p13.3.
Variant type: single nucleotide variant.
Coding change: c.264C>T on transcript NM_000455.5 (MANE Select); coding-DNA position 264, C replaced by T.
Protein change: p.Ile88=; no amino-acid change (isoleucine 88 retained).
Molecular consequence: synonymous variant.
Genome position (GRCh38, 1-based): chr19:1,207,177, C>T. VCF-style: chr19-1207177-C-T. GRCh37 (hg19) VCF-style: chr19-1207176-C-T.
Identifiers: ClinVar variation 492521 (VCV000492521.19), dbSNP rs56354945, ClinGen allele CA046726.